The following is an entry in ClinVar:

ClinVar aggregate classification (germline): Pathogenic (1 of 4 stars; one submission).

Conditions:
Dent disease type 1 (DENT1). Also called: NEPHROLITHIASIS 2; NEPHROLITHIASIS, HYPERCALCIURIC, X-LINKED. Identifiers: Orphanet 1652, Orphanet 93622, MedGen C1848336, MONDO:0010225, OMIM 300009.

Submission:

Victorian Clinical Genetics Services, Murdoch Childrens Research Institute
Classification: Pathogenic for Dent disease type 1. Last evaluated: 2021-05-06. Review status: criteria provided, single submitter. Criteria: ACMG Guidelines, 2015. Collection method: clinical testing. Allele origin: germline. Inheritance: X-linked recessive inheritance.
Comment: Based on the classification scheme VCGS_Germline_v1.3.4, this variant is classified as Pathogenic. Following criteria are met: 0102 - Loss of function is a known mechanism of disease in this gene and is associated with Dent disease (MIM#300009). (I) 0115 - Variants in this gene are known to have variable expressivity. The phenotype can be variable within and between families (PMID: 28580211). (I) 0109 - This gene is associated with X-linked recessive disease. Dent disease (MIM#300009) is now the generally accepted name for a group of hereditary tubular disorders including X-linked recessive nephrolithiasis type I (MIM#310468), hypophosphataemic rickets (MIM#300554), and low molecular weight proteinuria with hypercalciuric nephrocalcinosis (MIM#308990) (PMID: 12637640). Dent disease (MIM#300009) mainly affects males, however female carriers may show a milder phenotype (PMID: 28580211). (I) 0201 - Variant is predicted to cause nonsense-mediated decay (NMD) and loss of protein (premature termination codon is located at least 54 nucleotides upstream of the final exon-exon junction). (SP) 0253 - This variant is hemizygous. (I) 0301 - Variant is absent from gnomAD (both v2 and v3). (SP) 0701 - Other NMD-predicted variants comparable to the one identified in this case have very strong previous evidence for pathogenicity. Many other loss of function variants have previously been reported as pathogenic in individuals with Dent disease (MIM#300009) (ClinVar). (SP) 0807 - This variant has no previous evidence of pathogenicity. (I) 0905 - No published segregation evidence has been identified for this variant. (I) 1007 - No published functional evidence has been identified for this variant. (I) 1208 - Inheritance information for this variant is not currently available in this individual. (I) Legend: (SP) - Supporting pathogenic, (I) - Information, (SB) - Supporting benign

Literature cited by the submitters: PubMed 12637640; PubMed 28580211.

NM_001127898.4(CLCN5):c.1452del (p.Glu484fs)

Gene: CLCN5 (Cl-/H+ antiporter 5; plus strand). Cytogenetic location: Xp11.23.
Variant type: Deletion.
Coding change: c.1452del on transcript NM_001127898.4 (MANE Select); coding-DNA position 1452, one base deleted (A; older notation c.1452delA).
Protein change: p.Glu484fs; shifts the reading frame from glutamic acid 484.
Molecular consequence: frameshift variant.
Genome position (GRCh38, 1-based): chrX:50,086,765, A deleted; the last of 2 consecutive A bases (chrX:50,086,764-50,086,765); deleting either gives the same sequence. VCF-style (leftmost placement, unchanged base first): chrX-50086763-GA-G. GRCh37 (hg19) VCF-style: chrX-49851420-GA-G.
Other names: c.1242del, p.Glu414fs (NM_000084.5); c.1452del, p.Glu484fs (NM_001127899.4); c.1302del, p.Glu434fs (NM_001282163.2); short protein forms E414fs, E434fs, E484fs.
Identifiers: ClinVar variation 1804929 (VCV001804929.1), dbSNP rs2519435022, ClinGen allele CA1139771221.